The following is an entry in ClinVar:

ClinVar aggregate classification (germline): Conflicting classifications of pathogenicity. Review status: criteria provided, conflicting classifications (1 of 4 stars). 5 submissions from 5 submitters: Uncertain significance (3); Likely benign (1). 1 of the submissions does not count toward it. Last evaluated 2026-02-01.

Conditions:
CHKB-related disorder. Also called: CHKB-related condition.
Megaconial type congenital muscular dystrophy (MDCMC). Also called: CHKB-Related Muscular Dystrophy; CHKB-Related Muscle Diseases; MUSCULAR DYSTROPHY, CONGENITAL, WITH MITOCHONDRIAL STRUCTURAL ABNORMALITIES. Identifiers: Orphanet 280671, MedGen C1865233, MONDO:0011246, OMIM 602541.

Allele frequency attached by ClinVar (database versions not stated): TOPMed 0.00022; ExAC 0.00047; gnomAD exomes 0.00054 and 0.00008; 1000 Genomes Project 0.00100; 1000 Genomes Project 30x 0.00109; gnomAD 0.00012 and 0.00015.
gnomAD v4.1: 144 of 1,614,008 alleles (0.0089%); highest among the groups gnomAD compares: East Asian, 0.26%; no homozygotes.

Submissions (5):

Labcorp Genetics (formerly Invitae), Labcorp
Classification: Likely benign for Megaconial type congenital muscular dystrophy. Last evaluated: 2026-02-01. Review status: criteria provided, single submitter. Criteria: Invitae Variant Classification Sherloc (09022015). Collection method: clinical testing. Allele origin: germline.

Revvity Omics, Revvity
Classification: Uncertain significance for Megaconial type congenital muscular dystrophy. Last evaluated: 2025-06-25. Review status: criteria provided, single submitter. Criteria: ACMG Guidelines, 2015. Collection method: clinical testing. Allele origin: germline.

Department of Pathology and Laboratory Medicine, Sinai Health System
Classification: Uncertain significance for megaconial type congenital muscular dystrophy. Last evaluated: 2022-10-18. Review status: criteria provided, single submitter. Criteria: ACMG Guidelines, 2015. Collection method: research. Allele origin: germline.

GeneDx
Classification: Uncertain significance. Last evaluated: 2016-08-01. Review status: criteria provided, single submitter. Criteria: GeneDx Variant Classification (06012015). Collection method: clinical testing. Allele origin: germline. Affected: yes.
Comment: A variant of uncertain significance has been identified in the CHKB gene. The I167M variant has not been published as a pathogenic variant, nor has it been reported as a benign variant to our knowledge. It was not observed in approximately 6,500 individuals of European and African American ancestry in the NHLBI Exome Sequencing Project, indicating it is not a common benign variant in these populations, but the 1000 Genomes Project reports I167M was observed in 5/1008 (0.5%) alleles from individuals of East Asian background. The I167M variant is a conservative amino acid substitution, which is not likely to impact secondary protein structure as these residues share similar properties. However, this substitution occurs at a position that is conserved across species, and in silico analysis predicts this variant is probably damaging to the protein structure/function. Therefore, based on the currently available information, it is unclear whether this variant is a pathogenic variant or a rare benign variant.

PreventionGenetics, part of Exact Sciences
Classification: Likely benign for CHKB-related condition. Last evaluated: 2019-08-08. Review status: no assertion criteria provided. Collection method: clinical testing. Allele origin: germline. Not counted in ClinVar's aggregate classification.
Comment: This variant is classified as likely benign based on ACMG/AMP sequence variant interpretation guidelines (Richards et al. 2015 PMID: 25741868, with internal and published modifications).

NM_005198.5(CHKB):c.501T>G (p.Ile167Met)

Genes: CHKB-CPT1B (CHKB-CPT1B readthrough (NMD candidate); minus strand), CHKB (choline kinase beta; minus strand). Cytogenetic location: 22q13.33.
Variant type: single nucleotide variant.
Coding change: c.501T>G on transcript NM_005198.5 (MANE Select); coding-DNA position 501, T replaced by G.
Protein change: p.Ile167Met; replaces isoleucine 167 with methionine.
Molecular consequence: missense variant. On other transcripts: non-coding transcript variant (1).
Genome position (GRCh38, 1-based): chr22:50,581,500, A>C on the plus strand (T>G on the coding strand, the complement: CHKB is on the minus strand). VCF-style: chr22-50581500-A-C. GRCh37 (hg19) VCF-style: chr22-51019929-A-C.
Other names: short protein forms I167M.
Identifiers: ClinVar variation 421602 (VCV000421602.16), dbSNP rs199704510, ClinGen allele CA10323759.